The following is an entry in ClinVar:

NM_001267550.2(TTN):c.95280C>T (p.Gly31760=)

Genes: TTN (titin; minus strand), TTN-AS1 (TTN antisense RNA 1; plus strand). Cytogenetic location: 2q31.2.
Variant type: single nucleotide variant.
Coding change: c.95280C>T on transcript NM_001267550.2 (MANE Select); coding-DNA position 95280, C replaced by T.
Protein change: p.Gly31760=; no amino-acid change (glycine 31760 retained).
Molecular consequence: synonymous variant.
Genome position (GRCh38, 1-based): chr2:178,545,956, G>A on the plus strand (C>T on the coding strand, the complement: TTN is on the minus strand). VCF-style: chr2-178545956-G-A. GRCh37 (hg19) VCF-style: chr2-179410683-G-A.
Other names: c.90357C>T, p.Gly30119= (NM_001256850.1); c.68085C>T, p.Gly22695= (NM_003319.4); c.87576C>T, p.Gly29192= (NM_133378.4); c.68460C>T, p.Gly22820= (NM_133432.3); c.68661C>T, p.Gly22887= (NM_133437.4).
Identifiers: ClinVar variation 3184664 (VCV003184664.18), dbSNP rs759261322, ClinGen allele CA1986977.

ClinVar aggregate classification (germline): Uncertain significance. Review status: criteria provided, multiple submitters, no conflicts (2 of 4 stars). 2 submissions from 2 submitters: Uncertain significance (2). Last evaluated 2024-07-01.

Conditions:
Cardiovascular phenotype. Identifiers: MedGen CN230736.

Allele frequency attached by ClinVar (database versions not stated): ExAC 0.00001; gnomAD exomes 0.00001.
gnomAD v4.1: 12 of 1,613,808 alleles (0.00074%); highest among the groups gnomAD compares: Admixed American, 0.0017%; no homozygotes.

Submissions (2):

CeGaT Center for Human Genetics Tuebingen
Classification: Uncertain significance. Last evaluated: 2024-07-01. Review status: criteria provided, single submitter. Criteria: CeGaT Center For Human Genetics Tuebingen Variant Classification Criteria Version 2. Collection method: clinical testing. Allele origin: germline. Affected: yes. Observed: 1 variant allele.
Comment: TTN: PM2, PP3

Ambry Genetics
Classification: Uncertain significance for Cardiovascular phenotype. Last evaluated: 2020-11-23. Review status: criteria provided, single submitter. Criteria: Ambry Variant Classification Scheme 2023. Collection method: clinical testing. Allele origin: germline.
Comment: The c.68085C>T (p.G22695G) alteration is located in exon 171 (coding exon 170) of the TTN gene. This alteration consists of a C to T substitution at nucleotide position 68085. This nucleotide substitution does not change the amino acid at codon 22695. However, this change occurs in the last nucleotide of Exon 171 (c.67925_68221) which makes it likely to have some effect on normal mRNA splicing. Based on insufficient or conflicting evidence, the clinical significance of this alteration remains unclear.